The following is an entry in ClinVar:

NM_016630.7(SPG21):c.-241G>C

Gene: SPG21 (SPG21 abhydrolase domain containing, maspardin; minus strand). Cytogenetic location: 15q22.31.
Variant type: single nucleotide variant.
Coding change: c.-241G>C on transcript NM_016630.7 (MANE Select); 241 bases upstream of the start codon, G replaced by C.
Molecular consequence: 5 prime UTR variant.
Genome position (GRCh38, 1-based): chr15:64,989,881, C>G on the plus strand (G>C on the coding strand, the complement: SPG21 is on the minus strand). VCF-style: chr15-64989881-C-G. GRCh37 (hg19) VCF-style: chr15-65282219-C-G.
Other names: c.-241G>C (NM_001127890.5).
Identifiers: ClinVar variation 316730 (VCV000316730.29), dbSNP rs879839698, ClinGen allele CA10647237.

ClinVar aggregate classification (germline): Conflicting classifications of pathogenicity. Review status: criteria provided, conflicting classifications (1 of 4 stars). 2 submissions from 2 submitters: Uncertain significance (1); Likely benign (1). Last evaluated 2023-02-01.

Conditions:
Mast syndrome. Also called: SPASTIC PARAPLEGIA 21, AUTOSOMAL RECESSIVE. Identifiers: Orphanet 101001, MedGen C1855346, MONDO:0009568, OMIM 248900.

Allele frequency attached by ClinVar (database versions not stated): 1000 Genomes Project 30x 0.00016.

Submissions (2):

CeGaT Center for Human Genetics Tuebingen
Classification: Likely benign. Last evaluated: 2023-02-01. Review status: criteria provided, single submitter. Criteria: CeGaT Center For Human Genetics Tuebingen Variant Classification Criteria Version 2. Collection method: clinical testing. Allele origin: germline. Affected: yes. Observed: 2 variant alleles.
Comment: SPG21: BS2

Illumina Laboratory Services, Illumina
Classification: Uncertain significance for Mast syndrome. Last evaluated: 2018-01-13. Review status: criteria provided, single submitter. Criteria: ICSL Variant Classification Criteria 13 December 2019. Collection method: clinical testing. Allele origin: germline.